The following is an entry in ClinVar:

ClinVar aggregate classification (germline): Uncertain significance (1 of 4 stars; one submission).

Conditions:
Regional enteritis. Also called: Enteritis, Granulomatous. Identifiers: MedGen C0678202, MeSH D003424.
Blau syndrome (BLAUS). Also called: GRANULOMATOSIS, FAMILIAL JUVENILE SYSTEMIC; GRANULOMATOSIS, FAMILIAL, BLAU TYPE; GRANULOMATOUS INFLAMMATORY ARTHRITIS, DERMATITIS, AND UVEITIS, FAMILIAL; JABS SYNDROME; ARTHROCUTANEOUVEAL GRANULOMATOSIS. Identifiers: Orphanet 90340, MedGen C5201146, MONDO:0008523, OMIM 186580.

Submission:

Labcorp Genetics (formerly Invitae), Labcorp
Classification: Uncertain significance for Regional enteritis; Blau syndrome. Last evaluated: 2025-02-15. Review status: criteria provided, single submitter. Criteria: Invitae Variant Classification Sherloc (09022015). Collection method: clinical testing. Allele origin: germline.
Comment: This sequence change replaces proline, which is neutral and non-polar, with serine, which is neutral and polar, at codon 173 of the NOD2 protein (p.Pro173Ser). The frequency data for this variant in the population databases is considered unreliable, as metrics indicate poor data quality at this position in the gnomAD database. This variant has not been reported in the literature in individuals affected with NOD2-related conditions. Invitae Evidence Modeling of protein sequence and biophysical properties (such as structural, functional, and spatial information, amino acid conservation, physicochemical variation, residue mobility, and thermodynamic stability) indicates that this missense variant is not expected to disrupt NOD2 protein function with a negative predictive value of 95%. In summary, the available evidence is currently insufficient to determine the role of this variant in disease. Therefore, it has been classified as a Variant of Uncertain Significance.

NM_001370466.1(NOD2):c.436C>T (p.Pro146Ser)

Gene: NOD2 (nucleotide binding oligomerization domain containing 2; plus strand). Cytogenetic location: 16q12.1.
Variant type: single nucleotide variant.
Coding change: c.436C>T on transcript NM_001370466.1 (MANE Select); coding-DNA position 436, C replaced by T.
Protein change: p.Pro146Ser; replaces proline 146 with serine.
Molecular consequence: missense variant. On other transcripts: non-coding transcript variant (1).
Genome position (GRCh38, 1-based): chr16:50,699,931, C>T. VCF-style: chr16-50699931-C-T. GRCh37 (hg19) VCF-style: chr16-50733842-C-T.
Other names: c.436C>T, p.Pro146Ser (NM_001293557.2); c.517C>T, p.Pro173Ser (NM_022162.3); short protein forms P146S, P173S.
Identifiers: ClinVar variation 3751996 (VCV003751996.2).